The following is an entry in ClinVar:

ClinVar aggregate classification (germline): Likely benign. Review status: criteria provided, multiple submitters, no conflicts (2 of 4 stars). 3 submissions from 3 submitters: Likely benign (3). Last evaluated 2025-10-02.

Conditions:
Emery-Dreifuss muscular dystrophy 4, autosomal dominant (EDMD4). Also called: EMERY-DREIFUSS MUSCULAR DYSTROPHY 4 WITH VARIABLE FEATURES. Identifiers: Orphanet 261, MedGen C2751807, MONDO:0013071, OMIM 612998.
Autosomal recessive ataxia, Beauce type. Also called: SYNE1 Deficiency; Spinocerebellar ataxia, autosomal recessive 8; ATAXIA, RECESSIVE, OF BEAUCE; SYNE1-Related Autosomal Recessive Cerebellar Ataxia. Identifiers: Orphanet 88644, MedGen C1853116, MONDO:0012549, OMIM 610743.

Allele frequency attached by ClinVar (database versions not stated): ExAC 0.00002; gnomAD exomes 0.00002; ESP Exome Variant Server 0.00008; TOPMed 0.00009; gnomAD 0.00010 and 0.00011.
gnomAD v4.1: 50 of 1,614,026 alleles (0.0031%); highest among the groups gnomAD compares: African/African-American, 0.04%; no homozygotes.

Submissions (3):

Athena Diagnostics
Classification: Likely benign. Last evaluated: 2025-10-02. Review status: criteria provided, single submitter. Criteria: Athena Diagnostics Criteria. Collection method: clinical testing. Allele origin: unknown.
Comment: Computational tools yielded predictions that this variant is unlikely to have an effect on normal RNA splicing. This nucleotide position exhibits low evolutionary conservation.

Labcorp Genetics (formerly Invitae), Labcorp
Classification: Likely benign for Emery-Dreifuss muscular dystrophy 4, autosomal dominant; Autosomal recessive ataxia, Beauce type. Last evaluated: 2025-08-21. Review status: criteria provided, single submitter. Criteria: Invitae Variant Classification Sherloc (09022015). Collection method: clinical testing. Allele origin: germline.

GeneDx
Classification: Likely benign. Last evaluated: 2018-02-15. Review status: criteria provided, single submitter. Criteria: GeneDx Variant Classification (06012015). Collection method: clinical testing. Allele origin: germline. Affected: yes.
Comment: This variant is considered likely benign or benign based on one or more of the following criteria: it is a conservative change, it occurs at a poorly conserved position in the protein, it is predicted to be benign by multiple in silico algorithms, and/or has population frequency not consistent with disease.

NM_182961.4(SYNE1):c.25086G>A (p.Thr8362=)

Gene: SYNE1 (spectrin repeat containing nuclear envelope protein 1; minus strand). Cytogenetic location: 6q25.2.
Variant type: single nucleotide variant.
Coding change: c.25086G>A on transcript NM_182961.4 (MANE Select); coding-DNA position 25086, G replaced by A.
Protein change: p.Thr8362=; no amino-acid change (threonine 8362 retained).
Molecular consequence: synonymous variant.
Genome position (GRCh38, 1-based): chr6:152,143,656, C>T on the plus strand (G>A on the coding strand, the complement: SYNE1 is on the minus strand). VCF-style: chr6-152143656-C-T. GRCh37 (hg19) VCF-style: chr6-152464791-C-T.
Other names: c.25086G>A (NM_182961.2); c.1692G>A, p.Thr564= (NM_001347701.2); c.1620G>A, p.Thr540= (NM_001347702.2); c.24942G>A, p.Thr8314= (NM_033071.5).
Identifiers: ClinVar variation 515411 (VCV000515411.11), dbSNP rs377302991, ClinGen allele CA4052958.
Genomic context (GRCh38, chr6:152,143,656, plus strand): 5'-CGGAATCAGGATGGCCAGGATACTTACGTAGCCTTTGTAGCTGGTGTCTAGCTCCGGCCC[C>T]GTGGGAGTTTTGCTGCGAATGATATTTTCGGTTTGCTGTATCTGAAAACGGCTATCATCC-3'
Protein context (NP_892006.3, residues 8352-8372): TENIIRSKTP[Thr8362=]GPELDTSYKG